The following is an entry in ClinVar:

NM_001377.3(DYNC2H1):c.298_299del (p.Met100fs)

Gene: DYNC2H1 (dynein cytoplasmic 2 heavy chain 1; plus strand). Cytogenetic location: 11q22.3.
Variant type: Deletion.
Coding change: c.298_299del on transcript NM_001377.3 (MANE Select); coding-DNA positions 298 to 299, 2 bases deleted (AT; older notation c.298_299delAT).
Protein change: p.Met100fs; shifts the reading frame from methionine 100.
Molecular consequence: frameshift variant.
Genome position (GRCh38, 1-based): chr11:103,113,639-103,113,640, AT deleted; deleting any 2 consecutive bases within chr11:103,113,638-103,113,640 gives the same sequence; the c. name uses the placement nearest the transcript's 3' end. VCF-style (leftmost placement, unchanged base first): chr11-103113637-CTA-C. GRCh37 (hg19) VCF-style: chr11-102984366-CTA-C.
Other names: c.298_299del, p.Met100fs (NM_001080463.2); short protein forms M100fs.
Identifiers: ClinVar variation 2705973 (VCV002705973.3), dbSNP rs2496767276, ClinGen allele CA2697548915.

ClinVar aggregate classification (germline): Pathogenic (1 of 4 stars; one submission).

Conditions:
Jeune thoracic dystrophy. Also called: Infantile thoracic dystrophy; Thoracic pelvic phalangeal dystrophy; Jeune's syndrome; Chondroectodermal dysplasia-like syndrome; Short-rib thoracic dysplasia; Jeune syndrome. Identifiers: Orphanet 474, MedGen C0265275, MONDO:0018770.

Submission:

Labcorp Genetics (formerly Invitae), Labcorp
Classification: Pathogenic for Jeune thoracic dystrophy. Last evaluated: 2024-01-03. Review status: criteria provided, single submitter. Criteria: Invitae Variant Classification Sherloc (09022015). Collection method: clinical testing. Allele origin: germline.
Comment: This sequence change creates a premature translational stop signal (p.Met100Valfs*6) in the DYNC2H1 gene. It is expected to result in an absent or disrupted protein product. Loss-of-function variants in DYNC2H1 are known to be pathogenic (PMID: 23339108, 32753734, 33755199). This variant is not present in population databases (gnomAD no frequency). This variant has not been reported in the literature in individuals affected with DYNC2H1-related conditions. For these reasons, this variant has been classified as Pathogenic.

Literature cited by the submitters: PubMed 23339108; PubMed 32753734; PubMed 33755199.